The following is an entry in ClinVar:

ClinVar aggregate classification (germline): Pathogenic (1 of 4 stars; one submission).

Conditions:
Hereditary diffuse gastric adenocarcinoma (HDGC). Also called: DIFFUSE GASTRIC AND LOBULAR BREAST CANCER SYNDROME. Identifiers: Orphanet 26106, MedGen C1708349, MONDO:0007648, OMIM 137215.

Submission:

Myriad Genetics, Inc.
Classification: Pathogenic for Hereditary diffuse gastric adenocarcinoma. Last evaluated: 2023-01-10. Review status: criteria provided, single submitter. Criteria: Myriad Autosomal Dominant, Autosomal Recessive and X-Linked Classification Criteria (2023). Collection method: clinical testing. Allele origin: unknown.
Comment: This variant is considered pathogenic. This variant creates a termination codon and is predicted to result in premature protein truncation.

NM_004360.5(CDH1):c.1226G>A (p.Trp409Ter)

Gene: CDH1 (cadherin 1; plus strand). Cytogenetic location: 16q22.1.
Variant type: single nucleotide variant.
Coding change: c.1226G>A on transcript NM_004360.5 (MANE Select); coding-DNA position 1226, G replaced by A.
Protein change: p.Trp409Ter; replaces tryptophan 409 with a stop codon.
Molecular consequence: nonsense. On other transcripts: 5 prime UTR variant (2), intron variant (1).
Genome position (GRCh38, 1-based): chr16:68,813,401, G>A. VCF-style: chr16-68813401-G-A. GRCh37 (hg19) VCF-style: chr16-68847304-G-A.
Other names: c.-390G>A (NM_001317185.2); c.-594G>A (NM_001317186.2); c.1137+1138G>A (NM_001317184.2); short protein forms W409*.
Identifiers: ClinVar variation 2431277 (VCV002431277.1), dbSNP rs2152133477, ClinGen allele CA396461394.